The following is an entry in ClinVar:

NM_020821.3(VPS13C):c.7528C>T (p.Arg2510Trp)

Gene: VPS13C (vacuolar protein sorting 13 homolog C; minus strand). Cytogenetic location: 15q22.2.
Variant type: single nucleotide variant.
Coding change: c.7528C>T on transcript NM_020821.3 (MANE Select); coding-DNA position 7528, C replaced by T.
Protein change: p.Arg2510Trp; replaces arginine 2510 with tryptophan.
Molecular consequence: missense variant.
Genome position (GRCh38, 1-based): chr15:61,919,399, G>A on the plus strand (C>T on the coding strand, the complement: VPS13C is on the minus strand). VCF-style: chr15-61919399-G-A. GRCh37 (hg19) VCF-style: chr15-62211598-G-A.
Other names: c.7528C>T, p.Arg2510Trp (NM_001018088.3); c.7399C>T, p.Arg2467Trp (NM_017684.5, NM_018080.4); short protein forms R2467W, R2510W.
Identifiers: ClinVar variation 2182837 (VCV002182837.4), dbSNP rs912480660, ClinGen allele CA271890830.

ClinVar aggregate classification (germline): Uncertain significance (1 of 4 stars; one submission).

Allele frequency attached by ClinVar (database versions not stated): gnomAD 0.00001; TOPMed 0.00001; gnomAD exomes 0.00002.
gnomAD v4.1: 24 of 1,600,306 alleles (0.0015%); highest among the groups gnomAD compares: Admixed American, 0.0069%; no homozygotes.

Submission:

Labcorp Genetics (formerly Invitae), Labcorp
Classification: Uncertain significance. Last evaluated: 2022-01-12. Review status: criteria provided, single submitter. Criteria: Invitae Variant Classification Sherloc (09022015). Collection method: clinical testing. Allele origin: germline.
Comment: Algorithms developed to predict the effect of missense changes on protein structure and function are either unavailable or do not agree on the potential impact of this missense change (SIFT: "Deleterious"; PolyPhen-2: "Probably Damaging"; Align-GVGD: "Class C0"). This variant has not been reported in the literature in individuals affected with VPS13C-related conditions. This variant is present in population databases (no rsID available, gnomAD 0.01%). This sequence change replaces arginine, which is basic and polar, with tryptophan, which is neutral and slightly polar, at codon 2510 of the VPS13C protein (p.Arg2510Trp). In summary, the available evidence is currently insufficient to determine the role of this variant in disease. Therefore, it has been classified as a Variant of Uncertain Significance.